The following is an entry in ClinVar:

NM_015459.5(ATL3):c.1180G>A (p.Ala394Thr)

Genes: ATL3 (atlastin GTPase 3; minus strand), LNCROPM (lncRNA regulator of PLAAT3 mediated phospholipid metabolism; plus strand), LOC126861231 (CDK7 strongly-dependent group 2 enhancer GRCh37_chr11:63398741-63399940; plus strand). Cytogenetic location: 11q13.1.
Variant type: single nucleotide variant.
Coding change: c.1180G>A on transcript NM_015459.5 (MANE Select); coding-DNA position 1180, G replaced by A.
Protein change: p.Ala394Thr; replaces alanine 394 with threonine.
Molecular consequence: missense variant.
Genome position (GRCh38, 1-based): chr11:63,631,399, C>T on the plus strand (G>A on the coding strand, the complement: ATL3 is on the minus strand). VCF-style: chr11-63631399-C-T. GRCh37 (hg19) VCF-style: chr11-63398871-C-T.
Other names: c.1126G>A, p.Ala376Thr (NM_001290048.2); short protein forms A376T, A394T.
Identifiers: ClinVar variation 2779961 (VCV002779961.3), dbSNP rs1458721463, ClinGen allele CA381025519.

ClinVar aggregate classification (germline): Uncertain significance (1 of 4 stars; one submission).

Conditions:
Neuropathy, hereditary sensory, type 1F. Also called: Hereditary sensory neuropathy type IF; HSN IF. Identifiers: Orphanet 36386, MedGen C3810194, MONDO:0014286, OMIM 615632.

gnomAD v4.1: 3 of 1,614,188 alleles (0.00019%); highest among the groups gnomAD compares: Non-Finnish European, 0.00017%; no homozygotes.

Submission:

Labcorp Genetics (formerly Invitae), Labcorp
Classification: Uncertain significance for Neuropathy, hereditary sensory, type 1F. Last evaluated: 2023-07-17. Review status: criteria provided, single submitter. Criteria: Invitae Variant Classification Sherloc (09022015). Collection method: clinical testing. Allele origin: germline.
Comment: This variant has not been reported in the literature in individuals affected with ATL3-related conditions. This variant is present in population databases (no rsID available, gnomAD 0.0009%). This sequence change replaces alanine, which is neutral and non-polar, with threonine, which is neutral and polar, at codon 394 of the ATL3 protein (p.Ala394Thr). In summary, the available evidence is currently insufficient to determine the role of this variant in disease. Therefore, it has been classified as a Variant of Uncertain Significance. Advanced modeling of protein sequence and biophysical properties (such as structural, functional, and spatial information, amino acid conservation, physicochemical variation, residue mobility, and thermodynamic stability) performed at Invitae indicates that this missense variant is not expected to disrupt ATL3 protein function.